The following is an entry in ClinVar:

NM_000540.3(RYR1):c.3826T>A (p.Trp1276Arg)

Gene: RYR1 (ryanodine receptor 1; plus strand). Cytogenetic location: 19q13.2.
Variant type: single nucleotide variant.
Coding change: c.3826T>A on transcript NM_000540.3 (MANE Select); coding-DNA position 3826, T replaced by A.
Protein change: p.Trp1276Arg; replaces tryptophan 1276 with arginine.
Molecular consequence: missense variant.
Genome position (GRCh38, 1-based): chr19:38,473,437, T>A. VCF-style: chr19-38473437-T-A. GRCh37 (hg19) VCF-style: chr19-38964077-T-A.
Other names: c.3826T>A, p.Trp1276Arg (NM_001042723.2); short protein forms W1276R.
Identifiers: ClinVar variation 1432518 (VCV001432518.9), dbSNP rs754104129, ClinGen allele CA065249.

ClinVar aggregate classification (germline): Uncertain significance. Review status: criteria provided, multiple submitters, no conflicts (2 of 4 stars). 3 submissions from 3 submitters: Uncertain significance (3). Last evaluated 2025-08-02.

Conditions:
RYR1-related disorder. Also called: RYR1-related condition; RYR1-related disorders. Identifiers: MedGen CN239331.
Central core myopathy (CMYO1A). Also called: CONGENITAL MYOPATHY 1A, AUTOSOMAL DOMINANT, WITH SUSCEPTIBILITY TO MALIGNANT HYPERTHERMIA; Central core disease; Myopathy, central fibrillar. Identifiers: Orphanet 597, MedGen C5830701, MONDO:0007294, OMIM 117000.
Congenital multicore myopathy with external ophthalmoplegia (CMYO1B). Also called: Congenital myopathy 1B, autosomal recessive; Minicore myopathy; MULTICORE MYOPATHY; MULTIMINICORE DISEASE WITH EXTERNAL OPHTHALMOPLEGIA; Minicore myopathy with external ophthalmoplegia. Identifiers: Orphanet 598, Orphanet 98905, MedGen C1850674, MONDO:0009712, OMIM 255320, HP:0003789.
King Denborough syndrome (KDS). Identifiers: MedGen C1840365, MONDO:0020485, OMIM 619542.
Malignant hyperthermia, susceptibility to, 1 (MHS1). Also called: RYR1-Related Malignant Hyperthermia Susceptibility; Malignant hyperthermia suceptibility 1; Anesthesia related hyperthermia; Malignant hyperpyrexia; Fulminating hyperpyrexia; Pharmacogenic myopathy. Identifiers: Orphanet 423, MedGen C2930980, MONDO:0007783, OMIM 145600.
Congenital myopathy with fiber type disproportion. Also called: Congenital fiber-type disproportion; Congenital fiber-type disproportion myopathy. Identifiers: Orphanet 2020, MedGen C0546264, MONDO:0009711. Inheritance: all.

Allele frequency attached by ClinVar (database versions not stated): gnomAD exomes below 0.00001 and 0.00001; TOPMed below 0.00001; ExAC 0.00001; gnomAD 0.00001.
gnomAD v4.1: 12 of 1,613,790 alleles (0.00074%); highest among the groups gnomAD compares: African/African-American, 0.0013%; no homozygotes.

Submissions (3):

Labcorp Genetics (formerly Invitae), Labcorp
Classification: Uncertain significance for RYR1-related disorder. Last evaluated: 2025-08-02. Review status: criteria provided, single submitter. Criteria: Invitae Variant Classification Sherloc (09022015). Collection method: clinical testing. Allele origin: germline.
Comment: This sequence change replaces tryptophan, which is neutral and slightly polar, with arginine, which is basic and polar, at codon 1276 of the RYR1 protein (p.Trp1276Arg). This variant is present in population databases (rs754104129, gnomAD 0.004%). This variant has not been reported in the literature in individuals affected with RYR1-related conditions. ClinVar contains an entry for this variant (Variation ID: 1432518). Invitae Evidence Modeling of protein sequence and biophysical properties (such as structural, functional, and spatial information, amino acid conservation, physicochemical variation, residue mobility, and thermodynamic stability) indicates that this missense variant is not expected to disrupt RYR1 protein function with a negative predictive value of 80%. In summary, the available evidence is currently insufficient to determine the role of this variant in disease. Therefore, it has been classified as a Variant of Uncertain Significance.

All of Us Research Program, National Institutes of Health
Classification: Uncertain significance for Malignant hyperthermia, susceptibility to, 1. Last evaluated: 2023-12-01. Review status: criteria provided, single submitter. Criteria: ACMG Guidelines, 2015. Collection method: clinical testing. Allele origin: germline. Inheritance: Autosomal dominant inheritance. Observed: 2 variant alleles, 2 heterozygotes.
Comment: This study involves interpretation of variants in research participants for the purpose of population health screening. Participant phenotype was not available at the time of variant classification. Additional details can be found in publication PMID: 35346344, PMCID: PMC8962531

Fulgent Genetics
Classification: Uncertain significance for Central core myopathy; Malignant hyperthermia, susceptibility to, 1; Congenital myopathy 4A, autosomal dominant; Congenital multicore myopathy with external ophthalmoplegia; King Denborough syndrome. Last evaluated: 2021-08-10. Review status: criteria provided, single submitter. Criteria: ACMG Guidelines, 2015. Collection method: clinical testing. Allele origin: unknown.